The following is an entry in ClinVar:

ClinVar aggregate classification (germline): Uncertain significance (1 of 4 stars; one submission).

gnomAD v4.1: 1 of 1,614,074 alleles (0.000062%); highest among the groups gnomAD compares: African/African-American, 0.0013%; no homozygotes.

Submission:

Labcorp Genetics (formerly Invitae), Labcorp
Classification: Uncertain significance. Last evaluated: 2025-11-26. Review status: criteria provided, single submitter. Criteria: Invitae Variant Classification Sherloc (09022015). Collection method: clinical testing. Allele origin: germline.
Comment: This sequence change replaces methionine, which is neutral and non-polar, with valine, which is neutral and non-polar, at codon 580 of the IMPDH1 protein (p.Met580Val). This variant is not present in population databases (gnomAD no frequency). This variant has not been reported in the literature in individuals affected with IMPDH1-related conditions. An algorithm developed to predict the effect of missense changes on protein structure and function (PolyPhen-2) suggests that this variant is likely to be tolerated. In summary, the available evidence is currently insufficient to determine the role of this variant in disease. Therefore, it has been classified as a Variant of Uncertain Significance.

NM_000883.4(IMPDH1):c.1738A>G (p.Met580Val)

Gene: IMPDH1 (inosine monophosphate dehydrogenase 1; minus strand). Cytogenetic location: 7q32.1.
Variant type: single nucleotide variant.
Coding change: c.1738A>G on transcript NM_000883.4 (MANE Select); coding-DNA position 1738, A replaced by G.
Protein change: p.Met580Val; replaces methionine 580 with valine.
Molecular consequence: missense variant.
Genome position (GRCh38, 1-based): chr7:128,394,318, T>C on the plus strand (A>G on the coding strand, the complement: IMPDH1 is on the minus strand). VCF-style: chr7-128394318-T-C. GRCh37 (hg19) VCF-style: chr7-128034372-T-C.
Other names: c.1708A>G, p.Met570Val (NM_001102605.2); c.1483A>G, p.Met495Val (NM_001142573.2); c.1468A>G, p.Met490Val (NM_001142574.2); c.1408A>G, p.Met470Val (NM_001142575.2); c.1639A>G, p.Met547Val (NM_001142576.2); c.1531A>G, p.Met511Val (NM_001304521.2); c.1630A>G, p.Met544Val (NM_183243.3); short protein forms M547V, M490V, M495V, M470V, M511V, M544V, M570V, M580V.
Identifiers: ClinVar variation 4750769 (VCV004750769.1).